The following is an entry in ClinVar:

NM_000138.5(FBN1):c.3712G>C (p.Asp1238His)

Gene: FBN1 (fibrillin 1; minus strand). Cytogenetic location: 15q21.1.
Variant type: single nucleotide variant.
Coding change: c.3712G>C on transcript NM_000138.5 (MANE Select); coding-DNA position 3712, G replaced by C.
Protein change: p.Asp1238His; replaces aspartic acid 1238 with histidine.
Molecular consequence: missense variant.
Genome position (GRCh38, 1-based): chr15:48,485,374, C>G on the plus strand (G>C on the coding strand, the complement: FBN1 is on the minus strand). VCF-style: chr15-48485374-C-G. GRCh37 (hg19) VCF-style: chr15-48777571-C-G.
Other names: short protein forms D1238H.
Identifiers: ClinVar variation 1305067 (VCV001305067.9), dbSNP rs794728208, ClinGen allele CA392324291.

ClinVar aggregate classification (germline): Conflicting classifications of pathogenicity. Review status: criteria provided, conflicting classifications (1 of 4 stars). 4 submissions from 4 submitters: Likely pathogenic (2); Uncertain significance (2). Last evaluated 2023-01-08.

Conditions:
Marfan syndrome (MFS). Also called: Marfan syndrome type 1; Marfan's syndrome; FBN1-Related Marfan Syndrome; MARFAN SYNDROME, TYPE I; Marfan syndrome, classic. Identifiers: Orphanet 284963, Orphanet 558, MedGen C0024796, MONDO:0007947, OMIM 154700.
Familial thoracic aortic aneurysm and aortic dissection (TAAD). Also called: Thoracic aortic aneurysms and dissections. Identifiers: Orphanet 91387, MedGen C4707243, MONDO:0019625.
FBN1-related disorder. Also called: FBN1-related disorders.

Submissions (4):

Labcorp Genetics (formerly Invitae), Labcorp
Classification: Uncertain significance for Marfan syndrome; Familial thoracic aortic aneurysm and aortic dissection. Last evaluated: 2023-01-08. Review status: criteria provided, single submitter. Criteria: Invitae Variant Classification Sherloc (09022015). Collection method: clinical testing. Allele origin: germline.
Comment: This variant disrupts the p.Asp1238 amino acid residue in FBN1. Other variant(s) that disrupt this residue have been determined to be pathogenic (PMID: 10533071; Invitae). This suggests that this residue is clinically significant, and that variants that disrupt this residue are likely to be disease-causing. In summary, the available evidence is currently insufficient to determine the role of this variant in disease. Therefore, it has been classified as a Variant of Uncertain Significance. Variants that disrupt the consensus splice site are a relatively common cause of aberrant splicing (PMID: 17576681, 9536098). Algorithms developed to predict the effect of sequence changes on RNA splicing suggest that this variant may create or strengthen a splice site. Algorithms developed to predict the effect of missense changes on protein structure and function (SIFT, PolyPhen-2, Align-GVGD) all suggest that this variant is likely to be disruptive. ClinVar contains an entry for this variant (Variation ID: 1305067). This variant has not been reported in the literature in individuals affected with FBN1-related conditions. This variant is not present in population databases (gnomAD no frequency). This sequence change replaces aspartic acid, which is acidic and polar, with histidine, which is basic and polar, at codon 1238 of the FBN1 protein (p.Asp1238His). This variant also falls at the last nucleotide of exon 30, which is part of the consensus splice site for this exon.

GeneDx
Classification: Likely pathogenic. Last evaluated: 2022-10-18. Review status: criteria provided, single submitter. Criteria: GeneDx Variant Classification Process June 2021. Collection method: clinical testing. Allele origin: germline. Affected: yes.
Comment: Has not been previously published as pathogenic or benign to our knowledge; Not observed at significant frequency in large population cohorts (gnomAD); At the protein level, in silico analysis supports that this missense variant has a deleterious effect on protein structure/function

Blueprint Genetics
Classification: Likely pathogenic for FBN1-related disorders. Last evaluated: 2021-05-06. Review status: criteria provided, single submitter. Criteria: ACMG Guidelines, 2015. Collection method: clinical testing. Allele origin: germline. Affected: yes. Observed: 1 variant allele.

Ambry Genetics
Classification: Uncertain significance for Familial thoracic aortic aneurysm and aortic dissection. Last evaluated: 2019-06-20. Review status: criteria provided, single submitter. Criteria: Ambry Variant Classification Scheme 2023. Collection method: clinical testing. Allele origin: germline.
Comment: The p.D1238H variant (also known as c.3712G>C), located in coding exon 29 of the FBN1 gene, results from a G to C substitution at nucleotide position 3712. The amino acid change results in aspartic acid to histidine at codon 1238, an amino acid with similar properties. However, this change occurs in the last base pair of coding exon 29, which makes it likely to have some effect on normal mRNA splicing. A different alteration located at the same position, p.D1238N, has been reported in thoracic aortic aneurysm and dissection (TAAD) testing cohorts with limited clinical information provided, including one unaffected individual with family history of TAAD (Yuan B et al. Hum. Mutat., 1999;14:440-6; Hicks KL et al. J. Vasc. Surg., 2018 09;68:701-711). An alternate substitution at this codon, p.D1238G, has been reported in a Marfan syndrome cohort (Tiecke F et al. Eur. J. Hum. Genet., 2001 Jan;9:13-21). This amino acid position is highly conserved in available vertebrate species. Using the BDGP and ESEfinder splice site prediction tools, this alteration is predicted to weaken the efficiency of the native splice donor site; however, direct evidence is unavailable. In addition, this alteration is predicted to be deleterious by in silico analysis. In addition, the p.D1238H alteration is predicted to be deleterious by in silico analysis. Since supporting evidence is limited at this time, the clinical significance of this alteration remains unclear.

Literature cited by the submitters: PubMed 10533071 (cited by Labcorp Genetics (formerly Invitae), Labcorp); PubMed 17576681 (cited by Labcorp Genetics (formerly Invitae), Labcorp); PubMed 9536098 (cited by Labcorp Genetics (formerly Invitae), Labcorp).